The following is an entry in ClinVar:

NM_001253697.2(ERBIN):c.440A>G (p.Asp147Gly)

Gene: ERBIN (erbb2 interacting protein; plus strand). Cytogenetic location: 5q12.3.
Variant type: single nucleotide variant.
Coding change: c.440A>G on transcript NM_001253697.2 (MANE Select); coding-DNA position 440, A replaced by G.
Protein change: p.Asp147Gly; replaces aspartic acid 147 with glycine.
Molecular consequence: missense variant.
Genome position (GRCh38, 1-based): chr5:66,013,602, A>G. VCF-style: chr5-66013602-A-G. GRCh37 (hg19) VCF-style: chr5-65309430-A-G.
Other names: c.440A>G, p.Asp147Gly (NM_001253698.2, NM_001253699.2, NM_001253701.2 and 2 more transcripts); short protein forms D147G.
Identifiers: ClinVar variation 2760408 (VCV002760408.3), dbSNP rs2546670635, ClinGen allele CA359974071.
Genomic context (GRCh38, chr5:66,013,602, plus strand): 5'-TATGTAGGCTCCCTGATGGATTTTCTCAGCTGTTAAACCTAACCCAGTTGTATCTGAATG[A>G]TGCTTTTCTTGAGTTCTTGCCAGCAAATTTTGGCAGGTAAATTATGGTTTCTTCTAAAAC-3'
Protein context (NP_001240626.1, residues 137-157): LLNLTQLYLN[Asp147Gly]AFLEFLPANF

ClinVar aggregate classification (germline): Uncertain significance (1 of 4 stars; one submission).

Submission:

Labcorp Genetics (formerly Invitae), Labcorp
Classification: Uncertain significance. Last evaluated: 2023-09-12. Review status: criteria provided, single submitter. Criteria: Invitae Variant Classification Sherloc (09022015). Collection method: clinical testing. Allele origin: germline.
Comment: In summary, the available evidence is currently insufficient to determine the role of this variant in disease. Therefore, it has been classified as a Variant of Uncertain Significance. An algorithm developed to predict the effect of missense changes on protein structure and function (PolyPhen-2) suggests that this variant is likely to be disruptive. This variant has not been reported in the literature in individuals affected with ERBIN-related conditions. This variant is not present in population databases (gnomAD no frequency). This sequence change replaces aspartic acid, which is acidic and polar, with glycine, which is neutral and non-polar, at codon 147 of the ERBIN protein (p.Asp147Gly).